The following is an entry in ClinVar:

ClinVar aggregate classification (germline): Likely benign (1 of 4 stars; one submission).

Allele frequency attached by ClinVar (database versions not stated): gnomAD exomes below 0.00001; gnomAD 0.00001.
gnomAD v4.1: 2 of 1,614,142 alleles (0.00012%); highest among the groups gnomAD compares: African/African-American, 0.0013%; no homozygotes.

Submission:

CeGaT Center for Human Genetics Tuebingen
Classification: Likely benign. Last evaluated: 2022-11-01. Review status: criteria provided, single submitter. Criteria: CeGaT Center For Human Genetics Tuebingen Variant Classification Criteria Version 2. Collection method: clinical testing. Allele origin: germline. Affected: yes. Observed: 1 variant allele.
Comment: PURA: BP4, BS2

NM_005859.5(PURA):c.726G>A (p.Val242=)

Gene: PURA (purine rich element binding protein A; plus strand). Cytogenetic location: 5q31.3.
Variant type: single nucleotide variant.
Coding change: c.726G>A on transcript NM_005859.5 (MANE Select); coding-DNA position 726, G replaced by A.
Protein change: p.Val242=; no amino-acid change (valine 242 retained).
Molecular consequence: synonymous variant.
Genome position (GRCh38, 1-based): chr5:140,114,907, G>A. VCF-style: chr5-140114907-G-A. GRCh37 (hg19) VCF-style: chr5-139494492-G-A.
Identifiers: ClinVar variation 2655737 (VCV002655737.24), dbSNP rs1581036621, ClinGen allele CA446830740.
Genomic context (GRCh38, chr5:140,114,907, plus strand): 5'-CTCCTTGACTGTGGACAACAAGCGCTTCTTCTTCGATGTGGGCTCCAACAAGTACGGCGT[G>A]TTTATGCGAGTGAGCGAGGTGAAGCCCACCTATCGCAACTCCATCACCGTGCCCTACAAG-3'
Protein context (NP_005850.1, residues 232-252): FFDVGSNKYG[Val242=]FMRVSEVKPT